The following is an entry in ClinVar:

ClinVar aggregate classification (germline): Likely benign. Review status: criteria provided, single submitter (1 of 4 stars). 3 submissions from 3 submitters: Likely benign (1). 2 of the submissions do not count toward it. Last evaluated 2025-12-17.

Conditions:
AMACR-related disorder. Also called: AMACR-Related Disorders; AMACR-related condition.
Alpha-methylacyl-CoA racemase deficiency (AMACRD). Also called: AMACR deficiency. Identifiers: Orphanet 79095, MedGen C3280428, MONDO:0013681, OMIM 614307. Disease mechanism: loss of function.

Allele frequency attached by ClinVar (database versions not stated): gnomAD 0.00005; TOPMed 0.00006.
gnomAD v4.1: 8 of 1,575,770 alleles (0.00051%); highest among the groups gnomAD compares: Admixed American, 0.013%; no homozygotes.

Submissions (3):

Labcorp Genetics (formerly Invitae), Labcorp
Classification: Likely benign for Alpha-methylacyl-CoA racemase deficiency. Last evaluated: 2025-12-17. Review status: criteria provided, single submitter. Criteria: Invitae Variant Classification Sherloc (09022015). Collection method: clinical testing. Allele origin: germline.

PreventionGenetics, part of Exact Sciences
Classification: Likely benign for AMACR-related condition. Last evaluated: 2021-03-09. Review status: no assertion criteria provided. Collection method: clinical testing. Allele origin: germline. Not counted in ClinVar's aggregate classification.
Comment: This variant is classified as likely benign based on ACMG/AMP sequence variant interpretation guidelines (Richards et al. 2015 PMID: 25741868, with internal and published modifications).

Mayo Clinic Laboratories, Mayo Clinic
Classification: Likely benign. Last evaluated: 2018-02-20. Review status: no assertion criteria provided. Collection method: clinical testing. Allele origin: unknown. Not counted in ClinVar's aggregate classification.

NM_014324.6(AMACR):c.204T>A (p.Arg68=)

Genes: AMACR (alpha-methylacyl-CoA racemase; minus strand), C1QTNF3-AMACR (C1QTNF3-AMACR readthrough (NMD candidate); minus strand). Cytogenetic location: 5p13.2.
Variant type: single nucleotide variant.
Coding change: c.204T>A on transcript NM_014324.6 (MANE Select); coding-DNA position 204, T replaced by A.
Protein change: p.Arg68=; no amino-acid change (arginine 68 retained).
Molecular consequence: synonymous variant.
Genome position (GRCh38, 1-based): chr5:34,007,816, A>T on the plus strand (T>A on the coding strand, the complement: AMACR is on the minus strand). VCF-style: chr5-34007816-A-T. GRCh37 (hg19) VCF-style: chr5-34007921-A-T.
Other names: c.204T>A, p.Arg68= (NM_001167595.2, NM_203382.3).
Identifiers: ClinVar variation 559064 (VCV000559064.14), dbSNP rs1057472198, ClinGen allele CA116872691.
Genomic context (GRCh38, chr5:34,007,816, plus strand): 5'-GCGGGGCCCGGGCTCACCGCGGCGGAAGGGCTCCAGCAGCACATCCGACCGCTTGCACAG[A>T]CGCCGCAGCACGGCGGCTCCCCGCGGCTGCTTCAGGTCCAGCACTAGCGAGCGCTTGCCC-3'
Protein context (NP_055139.4, residues 58-78): KQPRGAAVLR[Arg68=]LCKRSDVLLE